The following is an entry in ClinVar:

ClinVar aggregate classification (germline): Pathogenic (1 of 4 stars; one submission).

Conditions:
Carnitine palmitoyl transferase 1A deficiency. Also called: Carnitine palmitoyltransferase 1A deficiency; CPT deficiency, hepatic, type IA; Carnitine palmitoyltransferase type I deficiency; CPT I DEFICIENCY; CPT DEFICIENCY, HEPATIC, TYPE I. Identifiers: Orphanet 156, MedGen C1829703, MONDO:0009705, OMIM 255120.

Submission:

Myriad Genetics, Inc.
Classification: Pathogenic for Carnitine palmitoyl transferase 1A deficiency. Last evaluated: 2023-09-27. Review status: criteria provided, single submitter. Criteria: Myriad Autosomal Dominant, Autosomal Recessive and X-Linked Classification Criteria (2023). Collection method: clinical testing. Allele origin: unknown.
Comment: NM_001876.3(CPT1A):c.1135dupA(R379Kfs*27) is expected to be pathogenic in the context of carnitine palmitoyltransferase IA deficiency. This variant is predicted to lead to an abnormal or absent protein product due to the creation of a premature termination codon in CPT1A, a gene where loss-of-function variants are known to be pathogenic. Please note: this variant was assessed in the context of healthy population screening.

NM_001876.4(CPT1A):c.1135dup (p.Arg379fs)

Gene: CPT1A (carnitine palmitoyltransferase 1A; minus strand). Cytogenetic location: 11q13.3.
Variant type: Duplication.
Coding change: c.1135dup on transcript NM_001876.4 (MANE Select); coding-DNA position 1135, one base duplicated (A; older notation c.1135dupA).
Protein change: p.Arg379fs; shifts the reading frame from arginine 379.
Molecular consequence: frameshift variant.
Genome position (GRCh38, 1-based): chr11:68,784,843, T duplicated on the plus strand (A on the coding strand, the reverse complement: CPT1A is on the minus strand). VCF-style (leftmost placement, unchanged base first): chr11-68784842-C-CT. GRCh37 (hg19) VCF-style: chr11-68552310-C-CT.
Other names: c.1135dup, p.Arg379fs (NM_001031847.3, NM_001440358.1, NM_001440359.1 and 3 more transcripts); c.1027dup, p.Arg343fs (NM_001440363.1); c.949dup, p.Arg317fs (NM_001440365.1); short protein forms R317fs, R343fs, R379fs.
Identifiers: ClinVar variation 5012071 (VCV005012071.1).